The following is an entry in ClinVar:

ClinVar aggregate classification (germline): Benign (1 of 4 stars; one submission).

Conditions:
Narcolepsy 7 (NRCLP7). Identifiers: Orphanet 2073, MedGen C3280266, MONDO:0013652, OMIM 614250.

Submission:

Centre for Mendelian Genomics, University Medical Centre Ljubljana
Classification: Benign for Narcolepsy 7. Last evaluated: 2018-09-25. Review status: criteria provided, single submitter. Criteria: ACMG Guidelines, 2015. Collection method: clinical testing. Allele origin: unknown. Affected: yes.
Comment: This variant was classified as: Benign. The following ACMG criteria were applied in classifying this variant: BS1,BS2.

NM_206809.4(MOG):c.88+18dup

Gene: MOG (myelin oligodendrocyte glycoprotein; plus strand). Cytogenetic location: 6p22.1.
Variant type: Duplication.
Coding change: c.88+18dup on transcript NM_206809.4 (MANE Select); 18 bases into the intron after coding-DNA position 88, one base duplicated (T; older notation c.88+18dupT).
Molecular consequence: intron variant.
Genome position (GRCh38, 1-based): chr6:29,657,315, T duplicated; the last of 8 consecutive T bases (chr6:29,657,308-29,657,315); duplicating any one gives the same sequence. VCF-style (leftmost placement, unchanged base first): chr6-29657307-G-GT. GRCh37 (hg19) VCF-style: chr6-29625084-G-GT.
Other names: c.88+18dup (NM_001008228.3, NM_206811.4, NM_001363610.2 and 6 more transcripts).
Identifiers: ClinVar variation 931819 (VCV000931819.3), dbSNP rs749231725, ClinGen allele CA3690367.